The following is an entry in ClinVar:

ClinVar aggregate classification (germline): Uncertain significance. Review status: criteria provided, multiple submitters, no conflicts (2 of 4 stars). 2 submissions from 2 submitters: Uncertain significance (2). Last evaluated 2025-09-08.

Conditions:
Hereditary cancer-predisposing syndrome. Also called: Neoplastic Syndromes, Hereditary; Hereditary Cancer Syndrome; Hereditary neoplastic syndrome; Tumor predisposition. Identifiers: Orphanet 140162, MedGen C0027672, MeSH D009386, MONDO:0015356.
Cardiovascular phenotype. Identifiers: MedGen CN230736.
Neurofibromatosis, type 1 (NF1). Also called: Neurofibromatosis, type I; Peripheral type neurofibromatosis; VON RECKLINGHAUSEN DISEASE; NEUROFIBROMATOSIS, TYPE I, SOMATIC. Identifiers: Orphanet 636, MedGen C0027831, MONDO:0018975, OMIM 162200. Disease mechanism: loss of function.

Submissions (2):

Labcorp Genetics (formerly Invitae), Labcorp
Classification: Uncertain significance for Neurofibromatosis, type 1. Last evaluated: 2025-09-08. Review status: criteria provided, single submitter. Criteria: Invitae Variant Classification Sherloc (09022015). Collection method: clinical testing. Allele origin: germline.
Comment: This sequence change falls in intron 48 of the NF1 gene. It does not directly change the encoded amino acid sequence of the NF1 protein. It affects a nucleotide within the consensus splice site. This variant is not present in population databases (gnomAD no frequency). This variant has not been reported in the literature in individuals affected with NF1-related conditions. ClinVar contains an entry for this variant (Variation ID: 826936). Variants that disrupt the consensus splice site are a relatively common cause of aberrant splicing (PMID: 17576681, 9536098). Algorithms developed to predict the effect of sequence changes on RNA splicing suggest that this variant may disrupt the consensus splice site. In summary, the available evidence is currently insufficient to determine the role of this variant in disease. Therefore, it has been classified as a Variant of Uncertain Significance.

Ambry Genetics
Classification: Uncertain significance for Cardiovascular phenotype; Hereditary cancer-predisposing syndrome. Last evaluated: 2023-05-01. Review status: criteria provided, single submitter. Criteria: Ambry Variant Classification Scheme 2023. Collection method: clinical testing. Allele origin: germline.
Comment: The c.7258+3A>G intronic variant results from an A to G substitution 3 nucleotides after coding exon 48 in the NF1 gene. This nucleotide position is well conserved in available vertebrate species. In silico splice site analysis predicts that this alteration will not have any significant effect on splicing. RNA studies have demonstrated that this alteration results in a transcript predicted to lead to a protein with an in-frame deletion of 44 amino acids; however, the exact functional impact of the deleted amino acids is unknown at this time (Ambry internal data). Since supporting evidence is limited at this time, the clinical significance of this alteration remains unclear.

Literature cited by the submitters: PubMed 17576681 (cited by Labcorp Genetics (formerly Invitae), Labcorp); PubMed 9536098 (cited by Labcorp Genetics (formerly Invitae), Labcorp).

NM_001042492.3(NF1):c.7321+3A>G

Gene: NF1 (neurofibromin 1; plus strand). Cytogenetic location: 17q11.2.
Variant type: single nucleotide variant.
Coding change: c.7321+3A>G on transcript NM_001042492.3 (MANE Select); 3 bases into the intron after coding-DNA position 7321, A replaced by G.
Molecular consequence: intron variant.
Genome position (GRCh38, 1-based): chr17:31,349,254, A>G. VCF-style: chr17-31349254-A-G. GRCh37 (hg19) VCF-style: chr17-29676272-A-G.
Other names: c.7258+3A>G (NM_000267.4).
Identifiers: ClinVar variation 826936 (VCV000826936.9), dbSNP rs1597858650, ClinGen allele CA915949838.